The following is an entry in ClinVar:

NM_000890.5(KCNJ5):c.795C>T (p.Asp265=)

Gene: KCNJ5 (potassium inwardly rectifying channel subfamily J member 5; plus strand). Cytogenetic location: 11q24.3.
Variant type: single nucleotide variant.
Coding change: c.795C>T on transcript NM_000890.5 (MANE Select); coding-DNA position 795, C replaced by T.
Protein change: p.Asp265=; no amino-acid change (aspartic acid 265 retained).
Molecular consequence: synonymous variant.
Genome position (GRCh38, 1-based): chr11:128,912,068, C>T. VCF-style: chr11-128912068-C-T. GRCh37 (hg19) VCF-style: chr11-128781963-C-T.
Other names: c.795C>T (LRG_333t1); c.795C>T, p.Asp265= (NM_001354169.2).
Identifiers: ClinVar variation 514661 (VCV000514661.11), dbSNP rs757895735, ClinGen allele CA6357942.

ClinVar aggregate classification (germline): Likely benign. Review status: criteria provided, multiple submitters, no conflicts (2 of 4 stars). 4 submissions from 4 submitters: Likely benign (4). Last evaluated 2024-06-28.

Conditions:
Long QT syndrome (LQTS). Identifiers: MedGen C0023976, MeSH D008133, MONDO:0002442. Disease mechanism: loss of function. Inheritance: Various modes of inheritance.
Cardiovascular phenotype. Identifiers: MedGen CN230736.
Familial hyperaldosteronism type III. Also called: Familial hyperaldosteronism type 3; FH III. Identifiers: Orphanet 251274, MedGen C3838758, MONDO:0013359, OMIM 613677.
Long QT syndrome 13 (LQT13). Identifiers: Orphanet 101016, Orphanet 768, MedGen C3150733, MONDO:0013279, OMIM 613485.

Allele frequency attached by ClinVar (database versions not stated): gnomAD exomes 0.00001 and 0.00002; TOPMed 0.00001; ExAC 0.00002; gnomAD 0.00003; 1000 Genomes Project 30x 0.00016.

Submissions (4):

Ambry Genetics
Classification: Likely benign for Cardiovascular phenotype. Last evaluated: 2024-06-28. Review status: criteria provided, single submitter. Criteria: Ambry Variant Classification Scheme 2023. Collection method: clinical testing. Allele origin: germline.

Labcorp Genetics (formerly Invitae), Labcorp
Classification: Likely benign for Long QT syndrome. Last evaluated: 2024-04-08. Review status: criteria provided, single submitter. Criteria: Invitae Variant Classification Sherloc (09022015). Collection method: clinical testing. Allele origin: germline.

Fulgent Genetics
Classification: Likely benign for Long QT syndrome 13; Familial hyperaldosteronism type III. Last evaluated: 2021-10-05. Review status: criteria provided, single submitter. Criteria: ACMG Guidelines, 2015. Collection method: clinical testing. Allele origin: unknown.

GeneDx
Classification: Likely benign. Last evaluated: 2018-01-08. Review status: criteria provided, single submitter. Criteria: GeneDx Variant Classification (06012015). Collection method: clinical testing. Allele origin: germline. Affected: yes.
Comment: This variant is considered likely benign or benign based on one or more of the following criteria: it is a conservative change, it occurs at a poorly conserved position in the protein, it is predicted to be benign by multiple in silico algorithms, and/or has population frequency not consistent with disease.